The following is an entry in ClinVar:

NM_020821.3(VPS13C):c.7762_7763delinsAT (p.Cys2588Ile)

Gene: VPS13C (vacuolar protein sorting 13 homolog C; minus strand). Cytogenetic location: 15q22.2.
Variant type: Indel.
Coding change: c.7762_7763delinsAT on transcript NM_020821.3 (MANE Select); coding-DNA positions 7762 to 7763, TG replaced by AT.
Protein change: p.Cys2588Ile; replaces cysteine 2588 with isoleucine.
Molecular consequence: missense variant.
Genome position (GRCh38, 1-based): chr15:61,917,633-61,917,634, CA replaced by AT on the plus strand (TG replaced by AT on the coding strand, the reverse complement: VPS13C is on the minus strand). VCF-style: chr15-61917633-CA-AT. GRCh37 (hg19) VCF-style: chr15-62209832-CA-AT.
Other names: c.7762_7763delinsAT, p.Cys2588Ile (NM_001018088.3); c.7633_7634delinsAT, p.Cys2545Ile (NM_017684.5, NM_018080.4); short protein forms C2545I, C2588I.
Identifiers: ClinVar variation 2414669 (VCV002414669.6), dbSNP rs2547875149, ClinGen allele CA2580089835.

ClinVar aggregate classification (germline): Uncertain significance (1 of 4 stars; one submission).

Submission:

Labcorp Genetics (formerly Invitae), Labcorp
Classification: Uncertain significance. Last evaluated: 2022-03-04. Review status: criteria provided, single submitter. Criteria: Invitae Variant Classification Sherloc (09022015). Collection method: clinical testing. Allele origin: germline.
Comment: This sequence change replaces cysteine, which is neutral and slightly polar, with isoleucine, which is neutral and non-polar, at codon 2588 of the VPS13C protein (p.Cys2588Ile). This variant is present in population databases (no rsID available, gnomAD 0.4%). This variant has not been reported in the literature in individuals affected with VPS13C-related conditions. Algorithms developed to predict the effect of missense changes on protein structure and function are either unavailable or do not agree on the potential impact of this missense change (SIFT: "Not Available"; PolyPhen-2: "Benign"; Align-GVGD: "Not Available"). In summary, the available evidence is currently insufficient to determine the role of this variant in disease. Therefore, it has been classified as a Variant of Uncertain Significance.